The following is an entry in ClinVar:

NM_001037.5(SCN1B):c.415G>T (p.Val139Phe)

Gene: SCN1B (sodium voltage-gated channel beta subunit 1; plus strand). Cytogenetic location: 19q13.11.
Variant type: single nucleotide variant.
Coding change: c.415G>T on transcript NM_001037.5 (MANE Select); coding-DNA position 415, G replaced by T.
Protein change: p.Val139Phe; replaces valine 139 with phenylalanine.
Molecular consequence: missense variant.
Genome position (GRCh38, 1-based): chr19:35,033,706, G>T. VCF-style: chr19-35033706-G-T. GRCh37 (hg19) VCF-style: chr19-35524610-G-T.
Other names: c.316G>T, p.Val106Phe (NM_001321605.2); c.415G>T, p.Val139Phe (NM_199037.5); short protein forms V106F, V139F.
Identifiers: ClinVar variation 1717208 (VCV001717208.5), dbSNP rs560827790, ClinGen allele CA405328992.

ClinVar aggregate classification (germline): Uncertain significance (1 of 4 stars; one submission).

Conditions:
Brugada syndrome 5 (BRGDA5). Identifiers: Orphanet 130, Orphanet 871, MedGen C2748541, MONDO:0013015, OMIM 612838.

Submission:

Labcorp Genetics (formerly Invitae), Labcorp
Classification: Uncertain significance for Brugada syndrome 5. Last evaluated: 2023-06-20. Review status: criteria provided, single submitter. Criteria: Invitae Variant Classification Sherloc (09022015). Collection method: clinical testing. Allele origin: germline.
Comment: This variant is not present in population databases (gnomAD no frequency). In summary, the available evidence is currently insufficient to determine the role of this variant in disease. Therefore, it has been classified as a Variant of Uncertain Significance. An algorithm developed to predict the effect of missense changes on protein structure and function (PolyPhen-2) suggests that this variant is likely to be disruptive. ClinVar contains an entry for this variant (Variation ID: 1717208). This variant has not been reported in the literature in individuals affected with SCN1B-related conditions. This sequence change replaces valine, which is neutral and non-polar, with phenylalanine, which is neutral and non-polar, at codon 139 of the SCN1B protein (p.Val139Phe).